The following is an entry in ClinVar:

ClinVar aggregate classification (germline): Likely benign. Review status: criteria provided, multiple submitters, no conflicts (2 of 4 stars). 2 submissions from 2 submitters: Likely benign (2). Last evaluated 2024-09-12.

Conditions:
Hereditary diffuse gastric adenocarcinoma (HDGC). Also called: DIFFUSE GASTRIC AND LOBULAR BREAST CANCER SYNDROME. Identifiers: Orphanet 26106, MedGen C1708349, MONDO:0007648, OMIM 137215.

Submissions (2):

Myriad Genetics, Inc.
Classification: Likely benign for Hereditary diffuse gastric adenocarcinoma. Last evaluated: 2024-09-12. Review status: criteria provided, single submitter. Criteria: Myriad Autosomal Dominant, Autosomal Recessive and X-Linked Classification Criteria (2023). Collection method: clinical testing. Allele origin: unknown.
Comment: This variant is considered likely benign. This variant is intronic and is not expected to impact mRNA splicing.

GeneDx
Classification: Likely benign. Last evaluated: 2018-03-29. Review status: criteria provided, single submitter. Criteria: GeneDx Variant Classification (06012015). Collection method: clinical testing. Allele origin: germline. Affected: yes.
Comment: This variant is considered likely benign or benign based on one or more of the following criteria: it is a conservative change, it occurs at a poorly conserved position in the protein, it is predicted to be benign by multiple in silico algorithms, and/or has population frequency not consistent with disease.

NM_004360.5(CDH1):c.388-6T>C

Gene: CDH1 (cadherin 1; plus strand). Cytogenetic location: 16q22.1.
Variant type: single nucleotide variant.
Coding change: c.388-6T>C on transcript NM_004360.5 (MANE Select); 6 bases into the intron before coding-DNA position 388, T replaced by C.
Molecular consequence: intron variant.
Genome position (GRCh38, 1-based): chr16:68,808,418, T>C. VCF-style: chr16-68808418-T-C. GRCh37 (hg19) VCF-style: chr16-68842321-T-C.
Other names: c.-1228-6T>C (NM_001317185.2); c.-1432-6T>C (NM_001317186.2); c.388-6T>C (NM_001317184.2).
Identifiers: ClinVar variation 681509 (VCV000681509.2), dbSNP rs767963300, ClinGen allele CA915949298.
Genomic context (GRCh38, chr16:68,808,418, plus strand): 5'-GACTGTTAGACCTGAAGTATCCGTCTTGAATTGTCTTATCTTGTTCCTCATCTTCTTTCC[T>C]TTTAGGCCTCCGTTTCTGGAATCCAAGCAGAATTGCTCACATTTCCCAACTCCTCTCCTG-3'